The following is an entry in ClinVar:

ClinVar aggregate classification (germline): Uncertain significance. Review status: criteria provided, multiple submitters, no conflicts (2 of 4 stars). 2 submissions from 2 submitters: Uncertain significance (2). Last evaluated 2025-09-10.

gnomAD v4.1: 16 of 1,612,212 alleles (0.00099%); highest among the groups gnomAD compares: Admixed American, 0.0017%; no homozygotes.

Submissions (2):

Labcorp Genetics (formerly Invitae), Labcorp
Classification: Uncertain significance. Last evaluated: 2025-09-10. Review status: criteria provided, single submitter. Criteria: Invitae Variant Classification Sherloc (09022015). Collection method: clinical testing. Allele origin: germline.
Comment: This sequence change replaces valine, which is neutral and non-polar, with glycine, which is neutral and non-polar, at codon 34 of the TFAP2A protein (p.Val34Gly). This variant is present in population databases (rs780216169, gnomAD 0.003%). This variant has not been reported in the literature in individuals affected with TFAP2A-related conditions. ClinVar contains an entry for this variant (Variation ID: 3764286). Invitae Evidence Modeling of protein sequence and biophysical properties (such as structural, functional, and spatial information, amino acid conservation, physicochemical variation, residue mobility, and thermodynamic stability) indicates that this missense variant is not expected to disrupt TFAP2A protein function with a negative predictive value of 80%. In summary, the available evidence is currently insufficient to determine the role of this variant in disease. Therefore, it has been classified as a Variant of Uncertain Significance.

GeneDx
Classification: Uncertain significance. Last evaluated: 2024-08-20. Review status: criteria provided, single submitter. Criteria: GeneDx Variant Classification Process June 2021. Collection method: clinical testing. Allele origin: germline. Affected: yes.
Comment: Not observed at significant frequency in large population cohorts (gnomAD); In silico analysis supports that this missense variant has a deleterious effect on protein structure/function; Has not been previously published as pathogenic or benign to our knowledge

NM_001372066.1(TFAP2A):c.107T>G (p.Val36Gly)

Gene: TFAP2A (transcription factor AP-2 alpha; minus strand). Cytogenetic location: 6p24.3.
Variant type: single nucleotide variant.
Coding change: c.107T>G on transcript NM_001372066.1 (MANE Select); coding-DNA position 107, T replaced by G.
Protein change: p.Val36Gly; replaces valine 36 with glycine.
Molecular consequence: missense variant.
Genome position (GRCh38, 1-based): chr6:10,410,280, A>C on the plus strand (T>G on the coding strand, the complement: TFAP2A is on the minus strand). VCF-style: chr6-10410280-A-C. GRCh37 (hg19) VCF-style: chr6-10410513-A-C.
Other names: c.83T>G, p.Val28Gly (NM_001032280.3); c.89T>G, p.Val30Gly (NM_001042425.3); short protein forms V28G, V30G, V36G.
Identifiers: ClinVar variation 3764286 (VCV003764286.2).